The following is an entry in ClinVar:

NM_000352.6(ABCC8):c.587T>A (p.Ile196Asn)

Gene: ABCC8 (ATP binding cassette subfamily C member 8; minus strand). Cytogenetic location: 11p15.1.
Variant type: single nucleotide variant.
Coding change: c.587T>A on transcript NM_000352.6 (MANE Select); coding-DNA position 587, T replaced by A.
Protein change: p.Ile196Asn; replaces isoleucine 196 with asparagine.
Molecular consequence: missense variant. On other transcripts: non-coding transcript variant (1).
Genome position (GRCh38, 1-based): chr11:17,461,818, A>T on the plus strand (T>A on the coding strand, the complement: ABCC8 is on the minus strand). VCF-style: chr11-17461818-A-T. GRCh37 (hg19) VCF-style: chr11-17483365-A-T.
Other names: c.587T>A, p.Ile196Asn (NM_001287174.3, NM_001351295.2, NM_001351296.2 and 1 more transcripts); short protein forms I196N.
Identifiers: ClinVar variation 878389 (VCV000878389.6), dbSNP rs1957204723, ClinGen allele CA379779450.

ClinVar aggregate classification (germline): Uncertain significance. Review status: criteria provided, multiple submitters, no conflicts (2 of 4 stars). 6 submissions from 3 submitters: Uncertain significance (6). Last evaluated 2024-06-14.

Conditions:
Transitory neonatal diabetes mellitus. Also called: Transient neonatal diabetes mellitus. Identifiers: MedGen C0342273, MONDO:0020525, HP:0008255.
Maturity-onset diabetes of the young (MODY). Also called: Maturity onset diabetes mellitus in young. Identifiers: Orphanet 552, MedGen C0342276, MONDO:0018911, HP:0004904.
Diabetes mellitus, transient neonatal, 2 (TNDM2). Identifiers: Orphanet 99886, MedGen C1835887, MONDO:0012480, OMIM 610374. Disease mechanism: loss of function.
Hyperinsulinemic hypoglycemia, familial, 1 (HHF1). Also called: Persistent hyperinsulinemic hypoglycemia of infancy; Persistent Hyperinsulinemia Hypoglycemia of Infancy; HYPERINSULINISM, FAMILIAL, WITH PANCREATIC NESIDIOBLASTOSIS; HYPOGLYCEMIA, HYPERINSULINEMIC, OF INFANCY; NESIDIOBLASTOSIS OF PANCREAS. Identifiers: Orphanet 276575, Orphanet 276598, MedGen C2931832, MONDO:0009734, OMIM 256450.
Permanent neonatal diabetes mellitus (PNDM). Identifiers: Orphanet 99885, MedGen C1833104, MONDO:0100164, MONDO:0011643. Disease mechanism: gain of function.

Submissions (6):

Women's Health and Genetics/Laboratory Corporation of America, LabCorp
Classification: Uncertain significance. Last evaluated: 2024-06-14. Review status: criteria provided, single submitter. Criteria: LabCorp Variant Classification Summary - May 2015. Collection method: clinical testing. Allele origin: germline.
Comment: Variant summary: ABCC8 c.587T>A (p.Ile196Asn) results in a non-conservative amino acid change in the encoded protein sequence. Four of five in-silico tools predict a damaging effect of the variant on protein function. The variant was absent in 250770 control chromosomes (gnomAD). The available data on variant occurrences in the general population are insufficient to allow any conclusion about variant significance. c.587T>A has been reported in the literature in at least an individual affected with permanent neonatal diabetes mellitus (example: Hashimoto_2017). These report(s) do not provide unequivocal conclusions about association of the variant with Neonatal Diabetes Mellitus. To our knowledge, no experimental evidence demonstrating an impact on protein function has been reported. The following publications have been ascertained in the context of this evaluation (PMID: 32418263, 27681997). ClinVar contains an entry for this variant (Variation ID: 878389). Based on the evidence outlined above, the variant was classified as uncertain significance.

Illumina Laboratory Services, Illumina
Classification: Uncertain significance for Permanent neonatal diabetes mellitus 1. Last evaluated: 2018-03-23. Review status: criteria provided, single submitter. Criteria: ICSL Variant Classification Criteria 13 December 2019. Collection method: clinical testing. Allele origin: germline.

Illumina Laboratory Services, Illumina
Classification: Uncertain significance for Hyperinsulinemic hypoglycemia, familial, 1. Last evaluated: 2018-03-23. Review status: criteria provided, single submitter. Criteria: ICSL Variant Classification Criteria 13 December 2019. Collection method: clinical testing. Allele origin: germline.

Illumina Laboratory Services, Illumina
Classification: Uncertain significance for Diabetes mellitus, transient neonatal, 2. Last evaluated: 2018-03-23. Review status: criteria provided, single submitter. Criteria: ICSL Variant Classification Criteria 13 December 2019. Collection method: clinical testing. Allele origin: germline.

Clinical Genomics, Uppaluri K&H Personalized Medicine Clinic
Classification: Uncertain significance for Maturity-onset diabetes of the young. Review status: criteria provided, single submitter. Criteria: K & H Uppaluri Personalized Medicine Clinic Variant Classification & Assertion Criteria_Updated V.1. Collection method: research. Allele origin: unknown. Inheritance: Somatic mutation.
Comment: Mutations in ABCC8 gene are associated with both neonatal diabetes mellitus as well as MODY. Patients with this mutation may have a better response to sulfonylureas. However, no sufficient evidence is found to ascertain the role of this particular variant ( rs1957204723) in MODY yet.

Clinical Genomics, Uppaluri K&H Personalized Medicine Clinic
Classification: Uncertain significance for Transitory neonatal diabetes mellitus. Review status: criteria provided, single submitter. Criteria: K & H Uppaluri Personalized Medicine Clinic Variant Classification & Assertion Criteria_Updated V.1. Collection method: research. Allele origin: unknown. Inheritance: Somatic mutation.
Comment: Mutations in ABCC8 gene are associated with both neonatal diabetes mellitus as well as MODY. Patients with this mutation may have a better response to sulfonylureas. However, no sufficient evidence is found to ascertain the role of this particular variant ( rs1957204723) in neonatal diabetes yet.

Literature cited by the submitters: PubMed 32418263 (cited by Women's Health and Genetics/Laboratory Corporation of America, LabCorp); PubMed 27681997 (cited by Women's Health and Genetics/Laboratory Corporation of America, LabCorp); PubMed 16885549 (cited by Clinical Genomics, Uppaluri K&H Personalized Medicine Clinic); PubMed 21989597 (cited by Clinical Genomics, Uppaluri K&H Personalized Medicine Clinic); PubMed 27538677 (cited by Clinical Genomics, Uppaluri K&H Personalized Medicine Clinic); PubMed 18981553 (cited by Clinical Genomics, Uppaluri K&H Personalized Medicine Clinic); PubMed 32027066 (cited by Clinical Genomics, Uppaluri K&H Personalized Medicine Clinic); PubMed 16613899 (cited by Clinical Genomics, Uppaluri K&H Personalized Medicine Clinic); PubMed 18025408 (cited by Clinical Genomics, Uppaluri K&H Personalized Medicine Clinic); PubMed 32792356 (cited by Clinical Genomics, Uppaluri K&H Personalized Medicine Clinic).